The following is an entry in ClinVar:

NM_006218.4(PIK3CA):c.2423G>A (p.Arg808Gln)

Gene: PIK3CA (phosphatidylinositol-4,5-bisphosphate 3-kinase catalytic subunit alpha; plus strand). Cytogenetic location: 3q26.32.
Variant type: single nucleotide variant.
Coding change: c.2423G>A on transcript NM_006218.4 (MANE Select); coding-DNA position 2423, G replaced by A.
Protein change: p.Arg808Gln; replaces arginine 808 with glutamine.
Molecular consequence: missense variant.
Genome position (GRCh38, 1-based): chr3:179,225,968, G>A. VCF-style: chr3-179225968-G-A. GRCh37 (hg19) VCF-style: chr3-178943756-G-A.
Other names: short protein forms R808Q.
Identifiers: ClinVar variation 1468873 (VCV001468873.8), dbSNP rs780837825, ClinGen allele CA2710956.
Genomic context (GRCh38, chr3:179,225,968, plus strand): 5'-CCCCAAATTTGCATCTGTGGCATTAAATGGTGATACATATTATTTGAATTTCAGATTTAC[G>A]GCAAGATATGCTAACACTTCAAATTATTCGTATTATGGAAAATATCTGGCAAAATCAAGG-3'
Protein context (NP_006209.2, residues 798-818): EIIFKNGDDL[Arg808Gln]QDMLTLQIIR

ClinVar aggregate classification (germline): Uncertain significance (1 of 4 stars; one submission).

Conditions:
Cowden syndrome (CS). Also called: Cowden's disease; Cowden's syndrome; Cowden disease. Identifiers: Orphanet 201, MedGen C0018553, MONDO:0016063. Disease mechanism: gain of function.

Allele frequency attached by ClinVar (database versions not stated): gnomAD exomes below 0.00001; ExAC 0.00001.

Submission:

Labcorp Genetics (formerly Invitae), Labcorp
Classification: Uncertain significance for Cowden syndrome. Last evaluated: 2022-02-10. Review status: criteria provided, single submitter. Criteria: Invitae Variant Classification Sherloc (09022015). Collection method: clinical testing. Allele origin: germline.
Comment: This sequence change replaces arginine, which is basic and polar, with glutamine, which is neutral and polar, at codon 808 of the PIK3CA protein (p.Arg808Gln). This variant is present in population databases (rs780837825, gnomAD 0.006%). This variant has not been reported in the literature in individuals affected with PIK3CA-related conditions. Advanced modeling of protein sequence and biophysical properties (such as structural, functional, and spatial information, amino acid conservation, physicochemical variation, residue mobility, and thermodynamic stability) performed at Invitae indicates that this missense variant is expected to disrupt PIK3CA protein function. In summary, the available evidence is currently insufficient to determine the role of this variant in disease. Therefore, it has been classified as a Variant of Uncertain Significance.